The following is an entry in ClinVar:

NM_000517.6(HBA2):c.412_*4del (p.Thr138fs)

Genes: HBA2 (hemoglobin subunit alpha 2; plus strand), LOC106804612 (hemoglobin subunit alpha 2 recombination region; plus strand). Cytogenetic location: 16p13.3.
Variant type: Deletion.
Coding change: c.412_*4del on transcript NM_000517.6 (MANE Select); coding-DNA position 412 through 4 bases downstream of the stop codon, 22 bases deleted (ACCTCCAAATACCGTTAAGCTG).
Protein change: p.Thr138fs; shifts the reading frame from threonine 138.
Molecular consequence: frameshift variant.
Genome position (GRCh38, 1-based): chr16:173,583-173,604, ACCTCCAAATACCGTTAAGCTG deleted; deleting any 22 consecutive bases within chr16:173,579-173,604 gives the same sequence; the c. name uses the placement nearest the transcript's 3' end. VCF-style (leftmost placement, unchanged base first): chr16-173578-TGCTGACCTCCAAATACCGTTAA-T. GRCh37 (hg19) VCF-style: chr16-223577-TGCTGACCTCCAAATACCGTTAA-T.
Other names: short protein forms T138fs.
Identifiers: ClinVar variation 4685676 (VCV004685676.1).

ClinVar aggregate classification (germline): Uncertain significance (1 of 4 stars; one submission).

Submission:

ARUP Laboratories, Molecular Genetics and Genomics, ARUP Laboratories
Classification: Uncertain significance. Last evaluated: 2025-03-12. Review status: criteria provided, single submitter. Criteria: ARUP Molecular Germline Variant Investigation Process 2024. Collection method: clinical testing. Allele origin: germline.
Comment: The HBA2 c.412_*4del; p.Thr138GlufsTer4 variant, also known as Thr137fs when numbered from the mature protein, to our knowledge, is not reported in the medical literature or gene specific databases. This variant is also absent from the Genome Aggregation Database (v2.1.1), indicating it is not a common polymorphism. This variant deletes 22 nucleotides including the termination codon; however, a new termination codon is predicted downstream. While this may not lead to nonsense-mediated decay, the effect is unclear. Due to limited information, the clinical significance of this variant is uncertain at this time.